The following is an entry in ClinVar:

ClinVar aggregate classification (germline): Uncertain significance (1 of 4 stars; one submission).

Allele frequency attached by ClinVar (database versions not stated): gnomAD 0.00001; gnomAD exomes 0.00001.
gnomAD v4.1: 3 of 1,612,840 alleles (0.00019%); highest among the groups gnomAD compares: Admixed American, 0.005%; no homozygotes.

Submission:

Labcorp Genetics (formerly Invitae), Labcorp
Classification: Uncertain significance. Last evaluated: 2021-10-14. Review status: criteria provided, single submitter. Criteria: Invitae Variant Classification Sherloc (09022015). Collection method: clinical testing. Allele origin: germline.
Comment: This sequence change replaces serine with arginine at codon 459 of the HPS1 protein (p.Ser459Arg). The serine residue is moderately conserved and there is a moderate physicochemical difference between serine and arginine. This variant is not present in population databases (ExAC no frequency). This variant has not been reported in the literature in individuals affected with HPS1-related conditions. Algorithms developed to predict the effect of missense changes on protein structure and function are either unavailable or do not agree on the potential impact of this missense change (SIFT: "Tolerated"; PolyPhen-2: "Possibly Damaging"; Align-GVGD: "Class C0"). In summary, the available evidence is currently insufficient to determine the role of this variant in disease. Therefore, it has been classified as a Variant of Uncertain Significance.

NM_000195.5(HPS1):c.1377T>G (p.Ser459Arg)

Gene: HPS1 (HPS1 biogenesis of lysosomal organelles complex 3 subunit 1; minus strand). Cytogenetic location: 10q24.2.
Variant type: single nucleotide variant.
Coding change: c.1377T>G on transcript NM_000195.5 (MANE Select); coding-DNA position 1377, T replaced by G.
Protein change: p.Ser459Arg; replaces serine 459 with arginine.
Molecular consequence: missense variant.
Genome position (GRCh38, 1-based): chr10:98,424,333, A>C on the plus strand (T>G on the coding strand, the complement: HPS1 is on the minus strand). VCF-style: chr10-98424333-A-C. GRCh37 (hg19) VCF-style: chr10-100184090-A-C.
Other names: c.405T>G, p.Ser135Arg (NM_001311345.2, NM_001322487.2, NM_001322489.2); c.1377T>G, p.Ser459Arg (NM_001322476.2, NM_001322477.2); c.1278T>G, p.Ser426Arg (NM_001322478.2, NM_001322479.2); c.1116T>G, p.Ser372Arg (NM_001322480.2, NM_001322481.2); c.1017T>G, p.Ser339Arg (NM_001322482.2); c.1008T>G, p.Ser336Arg (NM_001322483.2, NM_001322484.2); c.909T>G, p.Ser303Arg (NM_001322485.2); short protein forms S336R, S459R, S135R, S372R, S339R, S303R, S426R.
Identifiers: ClinVar variation 1447147 (VCV001447147.5), dbSNP rs1206448995, ClinGen allele CA378046795.